The following is an entry in ClinVar:

ClinVar aggregate classification (germline): Likely benign (1 of 4 stars; one submission).

Allele frequency attached by ClinVar (database versions not stated): gnomAD exomes 0.00004 and 0.00008; ExAC 0.00010; 1000 Genomes Project 30x 0.00021; 1000 Genomes Project 0.00026; gnomAD 0.00038 and 0.00041; TOPMed 0.00043; ESP Exome Variant Server 0.00047.
gnomAD v4.1: 87 of 1,131,050 alleles (0.0077%); highest among the groups gnomAD compares: African/African-American, 0.14%; no homozygotes.

Submission:

GeneDx
Classification: Likely benign. Last evaluated: 2021-10-22. Review status: criteria provided, single submitter. Criteria: GeneDx Variant Classification Process June 2021. Collection method: clinical testing. Allele origin: germline. Affected: yes.
Comment: See Variant Classification Assertion Criteria.

NM_000489.6(ATRX):c.190-40G>A

Gene: ATRX (ATRX chromatin remodeler; minus strand). Cytogenetic location: Xq21.1.
Variant type: single nucleotide variant.
Coding change: c.190-40G>A on transcript NM_000489.6 (MANE Select); 40 bases into the intron before coding-DNA position 190, G replaced by A.
Molecular consequence: intron variant.
Genome position (GRCh38, 1-based): chrX:77,697,675, C>T on the plus strand (G>A on the coding strand, the complement: ATRX is on the minus strand). VCF-style: chrX-77697675-C-T. GRCh37 (hg19) VCF-style: chrX-76953163-C-T.
Other names: c.190-40G>A (NM_138270.5).
Identifiers: ClinVar variation 1678804 (VCV001678804.2), dbSNP rs374828845, ClinGen allele CA10458356.